The following is an entry in ClinVar:

ClinVar aggregate classification (germline): Likely benign. Review status: criteria provided, single submitter (1 of 4 stars). 2 submissions from 2 submitters: Likely benign (1). 1 of the submissions does not count toward it. Last evaluated 2025-10-21.

Conditions:
ATP2B2-related disorder. Also called: ATP2B2-related condition.

Allele frequency attached by ClinVar (database versions not stated): gnomAD 0.00004; TOPMed 0.00005; ExAC 0.00006; gnomAD exomes 0.00007; ESP Exome Variant Server 0.00008.
gnomAD v4.1: 106 of 1,602,060 alleles (0.0066%); highest among the groups gnomAD compares: Non-Finnish European, 0.0082%; no homozygotes.

Submissions (2):

Labcorp Genetics (formerly Invitae), Labcorp
Classification: Likely benign. Last evaluated: 2025-10-21. Review status: criteria provided, single submitter. Criteria: Invitae Variant Classification Sherloc (09022015). Collection method: clinical testing. Allele origin: germline.

PreventionGenetics, part of Exact Sciences
Classification: Likely benign for ATP2B2-related condition. Last evaluated: 2024-07-15. Review status: no assertion criteria provided. Collection method: clinical testing. Allele origin: germline. Not counted in ClinVar's aggregate classification.
Comment: This variant is classified as likely benign based on ACMG/AMP sequence variant interpretation guidelines (Richards et al. 2015 PMID: 25741868, with internal and published modifications).

NM_001001331.4(ATP2B2):c.1056C>T (p.Asp352=)

Gene: ATP2B2 (ATPase plasma membrane Ca2+ transporting 2; minus strand). Cytogenetic location: 3p25.3.
Variant type: single nucleotide variant.
Coding change: c.1056C>T on transcript NM_001001331.4 (MANE Select); coding-DNA position 1056, C replaced by T.
Protein change: p.Asp352=; no amino-acid change (aspartic acid 352 retained).
Molecular consequence: synonymous variant.
Genome position (GRCh38, 1-based): chr3:10,378,397, G>A on the plus strand (C>T on the coding strand, the complement: ATP2B2 is on the minus strand). VCF-style: chr3-10378397-G-A. GRCh37 (hg19) VCF-style: chr3-10420081-G-A.
Other names: c.921C>T, p.Asp307= (NM_001330611.3, NM_001353564.1, NM_001363862.1 and 1 more transcripts); c.921C>T (NM_001683.3).
Identifiers: ClinVar variation 2715162 (VCV002715162.4), dbSNP rs369726075, ClinGen allele CA2253759.